The following is an entry in ClinVar:

ClinVar aggregate classification (germline): Benign. Review status: criteria provided, multiple submitters, no conflicts (2 of 4 stars). 2 submissions from 2 submitters: Benign (2). Last evaluated 2018-06-16.

Allele frequency attached by ClinVar (database versions not stated): 1000 Genomes Project 30x 0.06496; 1000 Genomes Project 0.06130; gnomAD 0.05505 and 0.05867; TOPMed 0.06063; gnomAD exomes 0.01302.
gnomAD v4.1: 20,234 of 1,036,818 alleles (2%); highest among the groups gnomAD compares: African/African-American, 17%; 980 homozygotes.

Submissions (2):

GeneDx
Classification: Benign. Last evaluated: 2018-06-16. Review status: criteria provided, single submitter. Criteria: GeneDx Variant Classification (06012015). Collection method: clinical testing. Allele origin: germline. Affected: yes.
Comment: This variant is considered likely benign or benign based on one or more of the following criteria: it is a conservative change, it occurs at a poorly conserved position in the protein, it is predicted to be benign by multiple in silico algorithms, and/or has population frequency not consistent with disease.

Breakthrough Genomics
Classification: Benign. Review status: criteria provided, single submitter. Criteria: ACMG Guidelines, 2015. Collection method: not provided. Allele origin: germline. Inheritance: Autosomal recessive inheritance. Affected: yes.

NM_001384140.1(PCDH15):c.877-94C>T

Gene: PCDH15 (protocadherin related 15; minus strand). Cytogenetic location: 10q21.1.
Variant type: single nucleotide variant.
Coding change: c.877-94C>T on transcript NM_001384140.1 (MANE Select); 94 bases into the intron before coding-DNA position 877, C replaced by T.
Molecular consequence: intron variant.
Genome position (GRCh38, 1-based): chr10:54,237,025, G>A on the plus strand (C>T on the coding strand, the complement: PCDH15 is on the minus strand). VCF-style: chr10-54237025-G-A. GRCh37 (hg19) VCF-style: chr10-55996785-G-A.
Other names: c.877-94C>T (NM_001354420.2, NM_001354429.2, NM_001142772.2 and 7 more transcripts); c.892-94C>T (NM_001142771.2, NM_001142769.3, NM_001142763.2); c.811-94C>T (NM_001354404.2, NM_001142773.2, NM_001142768.2); c.766-94C>T (NM_001142767.2).
Identifiers: ClinVar variation 675473 (VCV000675473.2), dbSNP rs12265855, ClinGen allele CA13353107.